The following is an entry in ClinVar:

NM_006231.4(POLE):c.5678+3G>A

Gene: POLE (DNA polymerase epsilon, catalytic subunit; minus strand). Cytogenetic location: 12q24.33.
Variant type: single nucleotide variant.
Coding change: c.5678+3G>A on transcript NM_006231.4 (MANE Select); 3 bases into the intron after coding-DNA position 5678, G replaced by A.
Molecular consequence: intron variant.
Genome position (GRCh38, 1-based): chr12:132,638,011, C>T on the plus strand (G>A on the coding strand, the complement: POLE is on the minus strand). VCF-style: chr12-132638011-C-T. GRCh37 (hg19) VCF-style: chr12-133214597-C-T.
Other names: c.5678+3G>A (NM_006231.2).
Identifiers: ClinVar variation 405724 (VCV000405724.10), dbSNP rs1060500826, ClinGen allele CA16613598.

ClinVar aggregate classification (germline): Conflicting classifications of pathogenicity. Review status: criteria provided, conflicting classifications (1 of 4 stars). 3 submissions from 3 submitters: Uncertain significance (1); Likely benign (2). Last evaluated 2025-10-05.

Conditions:
Hereditary cancer-predisposing syndrome. Also called: Hereditary Cancer Syndrome; Hereditary neoplastic syndrome; Neoplastic Syndromes, Hereditary; Tumor predisposition. Identifiers: Orphanet 140162, MedGen C0027672, MeSH D009386, MONDO:0015356.
Colorectal cancer, susceptibility to, 12 (CRCS12). Also called: COLORECTAL CANCER, SUSCEPTIBILITY TO, ON CHROMOSOME 12q24. Identifiers: Orphanet 220460, MedGen C3554460, MONDO:0014038, OMIM 615083.

Allele frequency attached by ClinVar (database versions not stated): gnomAD exomes 0.00001.
gnomAD v4.1: 5 of 1,613,676 alleles (0.00031%); highest among the groups gnomAD compares: Admixed American, 0.0067%; no homozygotes.

Submissions (3):

Labcorp Genetics (formerly Invitae), Labcorp
Classification: Likely benign. Last evaluated: 2025-10-05. Review status: criteria provided, single submitter. Criteria: Invitae Variant Classification Sherloc (09022015). Collection method: clinical testing. Allele origin: germline.

Ambry Genetics
Classification: Uncertain significance for Hereditary cancer-predisposing syndrome. Last evaluated: 2025-03-11. Review status: criteria provided, single submitter. Criteria: Ambry Variant Classification Scheme 2023. Collection method: clinical testing. Allele origin: germline.
Comment: The c.5678+3G>A intronic variant results from a G to A substitution 3 nucleotides after coding exon 41 in the POLE gene. This nucleotide position is well conserved in available vertebrate species. In silico splice site analysis predicts that this alteration will not have any significant effect on splicing. Based on the available evidence, the clinical significance of this variant remains unclear.

Mendelics
Classification: Likely benign for Colorectal cancer, susceptibility to, 12. Last evaluated: 2019-05-28. Review status: criteria provided, single submitter. Criteria: Mendelics Assertion Criteria 2017. Collection method: clinical testing. Allele origin: unknown.